The following is an entry in ClinVar:

NM_024989.4(PGAP1):c.2287-1G>A

Gene: PGAP1 (post-GPI attachment to proteins inositol deacylase 1; minus strand). Cytogenetic location: 2q33.1.
Variant type: single nucleotide variant.
Coding change: c.2287-1G>A on transcript NM_024989.4 (MANE Select); the canonical splice acceptor site of the intron before coding-DNA position 2287, G replaced by A.
Molecular consequence: splice acceptor variant.
Genome position (GRCh38, 1-based): chr2:196,844,575, C>T on the plus strand (G>A on the coding strand, the complement: PGAP1 is on the minus strand). VCF-style: chr2-196844575-C-T. GRCh37 (hg19) VCF-style: chr2-197709299-C-T.
Other names: c.1120-1G>A (NM_001321100.2); c.1765-1G>A (NM_001321099.2).
Identifiers: ClinVar variation 2746971 (VCV002746971.3), dbSNP rs2469091823, ClinGen allele CA350185094.

ClinVar aggregate classification (germline): Likely pathogenic (1 of 4 stars; one submission).

Conditions:
Intellectual disability, autosomal recessive 42 (NEDDSBA). Also called: GLYCOSYLPHOSPHATIDYLINOSITOL BIOSYNTHESIS DEFECT 9; Neurodevelopmental disorder with dysmorphic features, spasticity, and brain abnormalities. Identifiers: Orphanet 88616, MedGen C4014343, MONDO:0014348, OMIM 615802.

Submission:

Labcorp Genetics (formerly Invitae), Labcorp
Classification: Likely pathogenic for Intellectual disability, autosomal recessive 42. Last evaluated: 2023-07-25. Review status: criteria provided, single submitter. Criteria: Invitae Variant Classification Sherloc (09022015). Collection method: clinical testing. Allele origin: germline.
Comment: This variant has not been reported in the literature in individuals affected with PGAP1-related conditions. In summary, the currently available evidence indicates that the variant is pathogenic, but additional data are needed to prove that conclusively. Therefore, this variant has been classified as Likely Pathogenic. Algorithms developed to predict the effect of sequence changes on RNA splicing suggest that this variant may disrupt the consensus splice site. This variant is not present in population databases (gnomAD no frequency). This sequence change affects an acceptor splice site in intron 23 of the PGAP1 gene. It is expected to disrupt RNA splicing. Variants that disrupt the donor or acceptor splice site typically lead to a loss of protein function (PMID: 16199547), and loss-of-function variants in PGAP1 are known to be pathogenic (PMID: 17711852, 26050939, 27848944).

Literature cited by the submitters: PubMed 16199547; PubMed 17711852; PubMed 26050939; PubMed 27848944.